The following is an entry in ClinVar:

ClinVar aggregate classification (germline): Likely pathogenic (1 of 4 stars; one submission).

Conditions:
Autosomal recessive limb-girdle muscular dystrophy type 2J (LGMDR10). Also called: Limb-girdle muscular dystrophy, type 2J; MUSCULAR DYSTROPHY, LIMB-GIRDLE, AUTOSOMAL RECESSIVE 10. Identifiers: Orphanet 140922, MedGen C1837342, MONDO:0012127, OMIM 608807.
Dilated cardiomyopathy 1G (CMD1G). Identifiers: Orphanet 154, MedGen C1858763, MONDO:0011400, OMIM 604145.

Submission:

Labcorp Genetics (formerly Invitae), Labcorp
Classification: Likely pathogenic for Dilated cardiomyopathy 1G; Autosomal recessive limb-girdle muscular dystrophy type 2J. Last evaluated: 2024-10-18. Review status: criteria provided, single submitter. Criteria: Invitae Variant Classification Sherloc (09022015). Collection method: clinical testing. Allele origin: germline.
Comment: This sequence change creates a premature translational stop signal (p.Glu9075Glyfs*18) in the TTN gene. While this is not anticipated to result in nonsense mediated decay, it is expected to create a truncated TTN protein. This variant is not present in population databases (gnomAD no frequency). This variant has not been reported in the literature in individuals affected with TTN-related conditions. ClinVar contains an entry for this variant (Variation ID: 534968). This variant is located in the I band of TTN (PMID: 25589632). Truncating variants in this region have been reported in individuals affected with autosomal recessive centronuclear myopathy (PMID: 23975875, internal data). Truncating variants in this region have also been identified in individuals affected with autosomal dominant dilated cardiomyopathy and/or cardio-related conditions (PMID: 27869827, 32964742, internal data). In summary, the currently available evidence indicates that the variant is pathogenic, but additional data are needed to prove that conclusively. Therefore, this variant has been classified as Likely Pathogenic.

Literature cited by the submitters: PubMed 25589632; PubMed 23975875; PubMed 27869827; PubMed 32964742.

NM_001267550.2(TTN):c.27224_27228del (p.Glu9075fs)

Gene: TTN (titin; minus strand). Cytogenetic location: 2q31.2.
Variant type: Deletion.
Coding change: c.27224_27228del on transcript NM_001267550.2 (MANE Select); coding-DNA positions 27224 to 27228, 5 bases deleted (AACTG; older notation c.27224_27228delAACTG).
Protein change: p.Glu9075fs; shifts the reading frame from glutamic acid 9075.
Molecular consequence: frameshift variant. On other transcripts: intron variant (3).
Genome position (GRCh38, 1-based): chr2:178,712,797-178,712,801, CAGTT deleted on the plus strand (AACTG on the coding strand, the reverse complement: TTN is on the minus strand); deleting any 5 consecutive bases within chr2:178,712,797-178,712,804 gives the same sequence; the c. name uses the placement nearest the transcript's 3' end. VCF-style (leftmost placement, unchanged base first): chr2-178712796-CCAGTT-C. GRCh37 (hg19) VCF-style: chr2-179577523-CCAGTT-C.
Other names: c.26273_26277del, p.Glu8758fs (NM_001256850.1); c.23492_23496del, p.Glu7831fs (NM_133378.4); c.13282+25281_13282+25285del (NM_003319.4); c.13858+25281_13858+25285del (NM_133437.4); c.13657+25281_13657+25285del (NM_133432.3); c.27224_27228delAACTG (NM_001267550.2); short protein forms E8758fs, E9075fs, E7831fs.
Identifiers: ClinVar variation 534968 (VCV000534968.9), dbSNP rs1553892376, ClinGen allele CA658796051.